The following is an entry in ClinVar:

NM_006514.4(SCN10A):c.2188A>G (p.Asn730Asp)

Gene: SCN10A (sodium voltage-gated channel alpha subunit 10; minus strand). Cytogenetic location: 3p22.2.
Variant type: single nucleotide variant.
Coding change: c.2188A>G on transcript NM_006514.4 (MANE Select); coding-DNA position 2188, A replaced by G.
Protein change: p.Asn730Asp; replaces asparagine 730 with aspartic acid.
Molecular consequence: missense variant.
Genome position (GRCh38, 1-based): chr3:38,739,607, T>C on the plus strand (A>G on the coding strand, the complement: SCN10A is on the minus strand). VCF-style: chr3-38739607-T-C. GRCh37 (hg19) VCF-style: chr3-38781098-T-C.
Other names: c.2188A>G, p.Asn730Asp (NM_001293306.2); c.1894A>G, p.Asn632Asp (NM_001293307.2); short protein forms N632D, N730D.
Identifiers: ClinVar variation 3316529 (VCV003316529.1).

ClinVar aggregate classification (germline): Uncertain significance (1 of 4 stars; one submission).

Conditions:
Cardiovascular phenotype. Identifiers: MedGen CN230736.

gnomAD v4.1: 4 of 1,613,976 alleles (0.00025%); highest among the groups gnomAD compares: African/African-American, 0.0013%; no homozygotes.

Submission:

Ambry Genetics
Classification: Uncertain significance for Cardiovascular phenotype. Last evaluated: 2024-06-07. Review status: criteria provided, single submitter. Criteria: Ambry Variant Classification Scheme 2023. Collection method: clinical testing. Allele origin: germline.
Comment: The p.N730D variant (also known as c.2188A>G), located in coding exon 14 of the SCN10A gene, results from an A to G substitution at nucleotide position 2188. The asparagine at codon 730 is replaced by aspartic acid, an amino acid with highly similar properties. This amino acid position is conserved. In addition, this alteration is predicted to be deleterious by in silico analysis. Based on the available evidence, the clinical significance of this variant remains unclear.